The following is an entry in ClinVar:

ClinVar aggregate classification (germline): Uncertain significance (1 of 4 stars; one submission).

Conditions:
Leigh syndrome (NULS). Also called: Subacute necrotizing encephalopathy; Necrotizing encephalopathy infantile subacute of Leigh; Leigh Syndrome (mtDNA deletion); LEIGH SYNDROME, NUCLEAR; Leigh's necrotizing encephalopathy; Leigh's disease. Identifiers: Orphanet 506, MedGen C2931891, MONDO:0009723, OMIM 256000.

Allele frequency attached by ClinVar (database versions not stated): gnomAD exomes below 0.00001.
gnomAD v4.1: 1 of 1,613,796 alleles (0.000062%); highest among the groups gnomAD compares: Admixed American, 0.0017%; no homozygotes.

Submission:

Labcorp Genetics (formerly Invitae), Labcorp
Classification: Uncertain significance for Leigh syndrome. Last evaluated: 2022-07-05. Review status: criteria provided, single submitter. Criteria: Invitae Variant Classification Sherloc (09022015). Collection method: clinical testing. Allele origin: germline.
Comment: This sequence change replaces glutamic acid, which is acidic and polar, with lysine, which is basic and polar, at codon 148 of the SURF1 protein (p.Glu148Lys). This variant is not present in population databases (gnomAD no frequency). This variant has not been reported in the literature in individuals affected with SURF1-related conditions. Algorithms developed to predict the effect of missense changes on protein structure and function (SIFT, PolyPhen-2, Align-GVGD) all suggest that this variant is likely to be tolerated. In summary, the available evidence is currently insufficient to determine the role of this variant in disease. Therefore, it has been classified as a Variant of Uncertain Significance.

NM_003172.4(SURF1):c.442G>A (p.Glu148Lys)

Gene: SURF1 (SURF1 cytochrome c oxidase assembly factor; minus strand). Cytogenetic location: 9q34.2.
Variant type: single nucleotide variant.
Coding change: c.442G>A on transcript NM_003172.4 (MANE Select); coding-DNA position 442, G replaced by A.
Protein change: p.Glu148Lys; replaces glutamic acid 148 with lysine.
Molecular consequence: missense variant.
Genome position (GRCh38, 1-based): chr9:133,353,822, C>T on the plus strand (G>A on the coding strand, the complement: SURF1 is on the minus strand). VCF-style: chr9-133353822-C-T. GRCh37 (hg19) VCF-style: chr9-136220677-C-T.
Other names: c.115G>A, p.Glu39Lys (NM_001280787.1); short protein forms E148K, E39K.
Identifiers: ClinVar variation 2076887 (VCV002076887.1), dbSNP rs2490619681, ClinGen allele CA375694270.
Genomic context (GRCh38, chr9:133,353,822, plus strand): 5'-AGTGGAAGGGAGTGACCACATAGGCCCCACTCTGAGTTGAGGAGGAGATGAGGCCGCCCT[C>T]CCGGGCCTCCCGGACAGGGTCCACCATGGTCCGGGGCATCATATACAGCTCCTTGGAATG-3'
Protein context (NP_003163.1, residues 138-158): TMVDPVREAR[Glu148Lys]GGLISSSTQS